The following is an entry in ClinVar:

NM_139076.3(ABRAXAS1):c.1154T>C (p.Met385Thr)

Gene: ABRAXAS1 (abraxas 1, BRCA1 A complex subunit; minus strand). Cytogenetic location: 4q21.23.
Variant type: single nucleotide variant.
Coding change: c.1154T>C on transcript NM_139076.3 (MANE Select); coding-DNA position 1154, T replaced by C.
Protein change: p.Met385Thr; replaces methionine 385 with threonine.
Molecular consequence: missense variant.
Genome position (GRCh38, 1-based): chr4:83,462,545, A>G on the plus strand (T>C on the coding strand, the complement: ABRAXAS1 is on the minus strand). VCF-style: chr4-83462545-A-G. GRCh37 (hg19) VCF-style: chr4-84383698-A-G.
Other names: c.827T>C, p.Met276Thr (NM_001345962.2); short protein forms M385T, M276T.
Identifiers: ClinVar variation 3005988 (VCV003005988.4), dbSNP rs1158665632, ClinGen allele CA357255013.

ClinVar aggregate classification (germline): Uncertain significance. Review status: criteria provided, multiple submitters, no conflicts (2 of 4 stars). 2 submissions from 2 submitters: Uncertain significance (2). Last evaluated 2024-03-02.

gnomAD v4.1: 1 of 1,614,132 alleles (0.000062%); no homozygotes.

Submissions (2):

Ambry Genetics
Classification: Uncertain significance. Last evaluated: 2024-03-02. Review status: criteria provided, single submitter. Criteria: Ambry Variant Classification Scheme 2023. Collection method: clinical testing. Allele origin: germline.
Comment: The p.M385T variant (also known as c.1154T>C), located in coding exon 9 of the FAM175A gene, results from a T to C substitution at nucleotide position 1154. The methionine at codon 385 is replaced by threonine, an amino acid with similar properties. This amino acid position is conserved. In addition, this alteration is predicted to be tolerated by in silico analysis. Based on the available evidence, the clinical significance of this alteration remains unclear.

Labcorp Genetics (formerly Invitae), Labcorp
Classification: Uncertain significance. Last evaluated: 2022-11-23. Review status: criteria provided, single submitter. Criteria: Invitae Variant Classification Sherloc (09022015). Collection method: clinical testing. Allele origin: germline.
Comment: In summary, the available evidence is currently insufficient to determine the role of this variant in disease. Therefore, it has been classified as a Variant of Uncertain Significance. Algorithms developed to predict the effect of missense changes on protein structure and function output the following: SIFT: "Tolerated"; PolyPhen-2: "Benign"; Align-GVGD: "Class C0". The threonine amino acid residue is found in multiple mammalian species, which suggests that this missense change does not adversely affect protein function. This variant has not been reported in the literature in individuals affected with ABRAXAS1-related conditions. This variant is present in population databases (no rsID available, gnomAD no frequency). This sequence change replaces methionine, which is neutral and non-polar, with threonine, which is neutral and polar, at codon 385 of the ABRAXAS1 protein (p.Met385Thr).